The following is an entry in ClinVar:

ClinVar aggregate classification (germline): Uncertain significance (1 of 4 stars; one submission).

Conditions:
Spastic paraplegia. Identifiers: MedGen C0037772, HP:0001258.

Allele frequency attached by ClinVar (database versions not stated): gnomAD 0.00001; 1000 Genomes Project 30x 0.00016; 1000 Genomes Project 0.00020.
gnomAD v4.1: 11 of 1,614,052 alleles (0.00068%); highest among the groups gnomAD compares: Non-Finnish European, 0.00093%; no homozygotes.

Submission:

Labcorp Genetics (formerly Invitae), Labcorp
Classification: Uncertain significance for Spastic paraplegia. Last evaluated: 2022-03-28. Review status: criteria provided, single submitter. Criteria: Invitae Variant Classification Sherloc (09022015). Collection method: clinical testing. Allele origin: germline.
Comment: This sequence change replaces proline, which is neutral and non-polar, with threonine, which is neutral and polar, at codon 1126 of the ZFYVE26 protein (p.Pro1126Thr). This variant is present in population databases (rs202103136, gnomAD 0.0009%). This variant has not been reported in the literature in individuals affected with ZFYVE26-related conditions. Algorithms developed to predict the effect of missense changes on protein structure and function are either unavailable or do not agree on the potential impact of this missense change (SIFT: "Tolerated"; PolyPhen-2: "Probably Damaging"; Align-GVGD: "Class C0"). In summary, the available evidence is currently insufficient to determine the role of this variant in disease. Therefore, it has been classified as a Variant of Uncertain Significance.

NM_015346.4(ZFYVE26):c.3376C>A (p.Pro1126Thr)

Gene: ZFYVE26 (zinc finger FYVE-type containing 26; minus strand). Cytogenetic location: 14q24.1.
Variant type: single nucleotide variant.
Coding change: c.3376C>A on transcript NM_015346.4 (MANE Select); coding-DNA position 3376, C replaced by A.
Protein change: p.Pro1126Thr; replaces proline 1126 with threonine.
Molecular consequence: missense variant.
Genome position (GRCh38, 1-based): chr14:67,785,206, G>T on the plus strand (C>A on the coding strand, the complement: ZFYVE26 is on the minus strand). VCF-style: chr14-67785206-G-T. GRCh37 (hg19) VCF-style: chr14-68251923-G-T.
Other names: short protein forms P1126T.
Identifiers: ClinVar variation 1424491 (VCV001424491.5), dbSNP rs202103136, ClinGen allele CA7240006.
Genomic context (GRCh38, chr14:67,785,206, plus strand): 5'-TGCCTGATGGGGTCTGTTTGCCCAGGTTCTTCTGGAGGAGCTGAGTCTGGATCTGCACAG[G>T]GTGGGCCTCTGCCTCTGGAGCTTTCTGGGCTGCCTGCTCCACCAGGGAAGACAGTGGAGG-3'
Protein context (NP_056161.2, residues 1116-1136): AQKAPEAEAH[Pro1126Thr]VQIQTQLLQK